The following is an entry in ClinVar:

NM_006005.3(WFS1):c.*724_*727del

Gene: WFS1 (wolframin ER transmembrane glycoprotein; plus strand). Cytogenetic location: 4p16.1.
Variant type: Deletion.
Coding change: c.*724_*727del on transcript NM_006005.3 (MANE Select); 724 bases downstream of the stop codon through 727 bases downstream of the stop codon, 4 bases deleted (ACTG; older notation c.*724_*727delACTG).
Molecular consequence: 3 prime UTR variant.
Genome position (GRCh38, 1-based): chr4:6,303,192-6,303,195, ACTG deleted; deleting any 4 consecutive bases within chr4:6,303,189-6,303,195 gives the same sequence; the c. name uses the placement nearest the transcript's 3' end. VCF-style (leftmost placement, unchanged base first): chr4-6303188-CCTGA-C. GRCh37 (hg19) VCF-style: chr4-6304915-CCTGA-C.
Other names: c.*724_*727del (NM_001145853.1).
Identifiers: ClinVar variation 349361 (VCV000349361.6), dbSNP rs71537674, ClinGen allele CA10619023.
Genomic context (GRCh38, chr4:6,303,188, plus strand): 5'-GGAAACAGAGAACCCTGTGGGGGCGGCTGTGGGGGAGGTCCCTGCCAGTGTTTAGAAGAG[CCTGA>C]CTGTGTTCAGTGCCTTGGAGCAGAAAGCCAGGGTCCTGAGTGGCTGAAATAAAAGCCTCT-3'

ClinVar aggregate classification (germline): Uncertain significance (1 of 4 stars; one submission).

Conditions:
Wolfram syndrome 1 (WFS1). Identifiers: Orphanet 3463, MedGen C4551693, MONDO:0009101, OMIM 222300.

Submission:

Clinical Genomics, Uppaluri K&H Personalized Medicine Clinic
Classification: Uncertain significance for Wolfram syndrome 1. Review status: criteria provided, single submitter. Criteria: K & H Uppaluri Personalized Medicine Clinic Variant Classification & Assertion Criteria_Updated V.1. Collection method: research. Allele origin: unknown. Inheritance: Autosomal recessive inheritance.
Comment: Potent mutations in WFS1 gene are associated with Wolfram's syndrome, an autosomal recessive condition, which cause diabetes mellitus, diabetes insipidus, deafness and optic atrophy.However no sufficient evidence is found to ascertain the role of this particular variant rs71537674 in Wolfram's syndrome yet.

Literature cited by the submitters: PubMed 20738327; PubMed 33879153; PubMed 12955714; PubMed 18060660; PubMed 20301750; PubMed 17603484.